The following is an entry in ClinVar:

ClinVar aggregate classification (germline): Uncertain significance. Review status: criteria provided, multiple submitters, no conflicts (2 of 4 stars). 2 submissions from 2 submitters: Uncertain significance (2). Last evaluated 2024-12-11.

Allele frequency attached by ClinVar (database versions not stated): gnomAD 0.00003; gnomAD exomes 0.00004 and 0.00006; ExAC 0.00010; 1000 Genomes Project 30x 0.00016; 1000 Genomes Project 0.00020.
gnomAD v4.1: 62 of 1,613,352 alleles (0.0038%); highest among the groups gnomAD compares: South Asian, 0.059%; no homozygotes.

Submissions (2):

Ambry Genetics
Classification: Uncertain significance. Last evaluated: 2024-12-11. Review status: criteria provided, single submitter. Criteria: Ambry Variant Classification Scheme 2023. Collection method: clinical testing. Allele origin: germline.

Labcorp Genetics (formerly Invitae), Labcorp
Classification: Uncertain significance. Last evaluated: 2021-04-23. Review status: criteria provided, single submitter. Criteria: Invitae Variant Classification Sherloc (09022015). Collection method: clinical testing. Allele origin: germline.
Comment: Algorithms developed to predict the effect of missense changes on protein structure and function (SIFT, PolyPhen-2, Align-GVGD) all suggest that this variant is likely to be tolerated, but these predictions have not been confirmed by published functional studies and their clinical significance is uncertain. In summary, the available evidence is currently insufficient to determine the role of this variant in disease. Therefore, it has been classified as a Variant of Uncertain Significance. This variant has not been reported in the literature in individuals with SORL1-related conditions. This variant is present in population databases (rs550680703, ExAC 0.07%), and has an allele count higher than expected for a pathogenic variant (PMID: 28166811). This sequence change replaces isoleucine with threonine at codon 264 of the SORL1 protein (p.Ile264Thr). The isoleucine residue is moderately conserved and there is a moderate physicochemical difference between isoleucine and threonine.

Literature cited by the submitters: PubMed 28166811 (cited by Labcorp Genetics (formerly Invitae), Labcorp).

NM_003105.6(SORL1):c.791T>C (p.Ile264Thr)

Gene: SORL1 (sortilin related receptor 1; plus strand). Cytogenetic location: 11q24.1.
Variant type: single nucleotide variant.
Coding change: c.791T>C on transcript NM_003105.6 (MANE Select); coding-DNA position 791, T replaced by C.
Protein change: p.Ile264Thr; replaces isoleucine 264 with threonine.
Molecular consequence: missense variant.
Genome position (GRCh38, 1-based): chr11:121,496,901, T>C. VCF-style: chr11-121496901-T-C. GRCh37 (hg19) VCF-style: chr11-121367610-T-C.
Other names: c.791T>C (NM_003105.5); short protein forms I264T.
Identifiers: ClinVar variation 1495832 (VCV001495832.9), dbSNP rs550680703, ClinGen allele CA6328475.
Genomic context (GRCh38, chr11:121,496,901, plus strand): 5'-TAACAACCTTTTTTTTTTTTTCTGCCAGGGGAATTGATCCCTATGACAAACCAAATACCA[T>C]CTACATTGAACGACATGAACCCTCTGGCTACTCCACTGTCTTCCGAAGTACAGATTTCTT-3'
Protein context (NP_003096.2, residues 254-274): GIDPYDKPNT[Ile264Thr]YIERHEPSGY